The following is an entry in ClinVar:

NM_002907.4(RECQL):c.79G>A (p.Glu27Lys)

Gene: RECQL (RecQ like helicase; minus strand). Cytogenetic location: 12p12.1.
Variant type: single nucleotide variant.
Coding change: c.79G>A on transcript NM_002907.4 (MANE Select); coding-DNA position 79, G replaced by A.
Protein change: p.Glu27Lys; replaces glutamic acid 27 with lysine.
Molecular consequence: missense variant.
Genome position (GRCh38, 1-based): chr12:21,491,654, C>T on the plus strand (G>A on the coding strand, the complement: RECQL is on the minus strand). VCF-style: chr12-21491654-C-T. GRCh37 (hg19) VCF-style: chr12-21644588-C-T.
Other names: c.79G>A, p.Glu27Lys (NM_032941.3); short protein forms E27K.
Identifiers: ClinVar variation 3431821 (VCV003431821.1).

ClinVar aggregate classification (germline): Uncertain significance (1 of 4 stars; one submission).

Submission:

Ambry Genetics
Classification: Uncertain significance. Last evaluated: 2024-11-09. Review status: criteria provided, single submitter. Criteria: Ambry Variant Classification Scheme 2023. Collection method: clinical testing. Allele origin: germline.
Comment: The p.E27K variant (also known as c.79G>A), located in coding exon 2 of the RECQL gene, results from a G to A substitution at nucleotide position 79. The glutamic acid at codon 27 is replaced by lysine, an amino acid with similar properties. This amino acid position is conserved. In addition, the in silico prediction for this alteration is inconclusive. Based on the available evidence, the clinical significance of this variant remains unclear.